The following is an entry in ClinVar:

ClinVar aggregate classification (germline): Conflicting classifications of pathogenicity. Review status: criteria provided, conflicting classifications (1 of 4 stars). 2 submissions from 2 submitters: Uncertain significance (1); Likely benign (1). Last evaluated 2026-01-05.

Conditions:
CTNNBL1-related condition.

Allele frequency attached by ClinVar (database versions not stated): gnomAD exomes 0.00004; ExAC 0.00013; ESP Exome Variant Server 0.00015; 1000 Genomes Project 30x 0.00031; gnomAD 0.00036; 1000 Genomes Project 0.00040; TOPMed 0.00045.
gnomAD v4.1: 109 of 1,614,182 alleles (0.0068%); highest among the groups gnomAD compares: African/African-American, 0.12%; no homozygotes.

Submissions (2):

PreventionGenetics, part of Exact Sciences
Classification: Uncertain significance for CTNNBL1-related condition. Last evaluated: 2026-01-05. Review status: criteria provided, single submitter. Criteria: ACMG Guidelines, 2015. Collection method: clinical testing. Allele origin: germline.
Comment: The CTNNBL1 c.1424A>G variant is predicted to result in the amino acid substitution p.Asn475Ser. To our knowledge, this variant has not been reported in the literature. This variant is reported in 0.12% of alleles in individuals of African descent in gnomAD. At this time, the clinical significance of this variant is uncertain due to the absence of conclusive functional and genetic evidence.

Ambry Genetics
Classification: Likely benign. Last evaluated: 2021-11-12. Review status: criteria provided, single submitter. Criteria: Ambry Variant Classification Scheme 2023. Collection method: clinical testing. Allele origin: germline.

NM_030877.5(CTNNBL1):c.1424A>G (p.Asn475Ser)

Gene: CTNNBL1 (catenin beta like 1; plus strand). Cytogenetic location: 20q11.23.
Variant type: single nucleotide variant.
Coding change: c.1424A>G on transcript NM_030877.5 (MANE Select); coding-DNA position 1424, A replaced by G.
Protein change: p.Asn475Ser; replaces asparagine 475 with serine.
Molecular consequence: missense variant.
Genome position (GRCh38, 1-based): chr20:37,859,930, A>G. VCF-style: chr20-37859930-A-G. GRCh37 (hg19) VCF-style: chr20-36488332-A-G.
Other names: c.1343A>G, p.Asn448Ser (NM_001281495.2); c.1424A>G (NM_030877.4); short protein forms N448S, N475S.
Identifiers: ClinVar variation 2362383 (VCV002362383.3), dbSNP rs145224089, ClinGen allele CA9848677.